The following is an entry in ClinVar:

NM_005909.5(MAP1B):c.420C>T (p.Thr140=)

Gene: MAP1B (microtubule associated protein 1B; plus strand). Cytogenetic location: 5q13.2.
Variant type: single nucleotide variant.
Coding change: c.420C>T on transcript NM_005909.5 (MANE Select); coding-DNA position 420, C replaced by T.
Protein change: p.Thr140=; no amino-acid change (threonine 140 retained).
Molecular consequence: synonymous variant.
Genome position (GRCh38, 1-based): chr5:72,186,664, C>T. VCF-style: chr5-72186664-C-T. GRCh37 (hg19) VCF-style: chr5-71482491-C-T.
Other names: c.42C>T, p.Thr14= (NM_001324255.2).
Identifiers: ClinVar variation 3042794 (VCV003042794.2), dbSNP rs765418185, ClinGen allele CA3298496.

ClinVar aggregate classification (germline): Likely benign (0 of 4 stars; one submission).

Conditions:
MAP1B-related disorder. Also called: MAP1B-related condition.

Allele frequency attached by ClinVar (database versions not stated): ExAC 0.00001; gnomAD 0.00001; TOPMed 0.00002.
gnomAD v4.1: 16 of 1,614,076 alleles (0.00099%); highest among the groups gnomAD compares: African/African-American, 0.004%; no homozygotes.

Submission:

PreventionGenetics, part of Exact Sciences
Classification: Likely benign for MAP1B-related condition. Last evaluated: 2019-07-01. Review status: no assertion criteria provided. Collection method: clinical testing. Allele origin: germline.
Comment: This variant is classified as likely benign based on ACMG/AMP sequence variant interpretation guidelines (Richards et al. 2015 PMID: 25741868, with internal and published modifications).